The following is an entry in ClinVar:

ClinVar aggregate classification (germline): Uncertain significance. Review status: criteria provided, multiple submitters, no conflicts (2 of 4 stars). 3 submissions from 3 submitters: Uncertain significance (3). Last evaluated 2024-06-04.

Conditions:
Autosomal recessive nonsyndromic hearing loss 76. Also called: Deafness, autosomal recessive 76. Identifiers: Orphanet 90636, MedGen C3147083, MONDO:0014237, OMIM 615540.

Allele frequency attached by ClinVar (database versions not stated): gnomAD 0.00001; TOPMed 0.00002; gnomAD exomes 0.00003; ExAC 0.00005.
gnomAD v4.1: 47 of 1,553,692 alleles (0.003%); highest among the groups gnomAD compares: South Asian, 0.024%; no homozygotes.

Submissions (3):

Blueprint Genetics
Classification: Uncertain significance. Last evaluated: 2024-06-04. Review status: criteria provided, single submitter. Criteria: ACMG Guidelines, 2015. Collection method: clinical testing. Allele origin: germline.

Labcorp Genetics (formerly Invitae), Labcorp
Classification: Uncertain significance. Last evaluated: 2022-05-21. Review status: criteria provided, single submitter. Criteria: Invitae Variant Classification Sherloc (09022015). Collection method: clinical testing. Allele origin: germline.
Comment: This sequence change replaces arginine, which is basic and polar, with histidine, which is basic and polar, at codon 153 of the SYNE4 protein (p.Arg153His). This variant is present in population databases (rs751251082, gnomAD 0.03%). This variant has not been reported in the literature in individuals affected with SYNE4-related conditions. Algorithms developed to predict the effect of missense changes on protein structure and function output the following: SIFT: "Deleterious"; PolyPhen-2: "Possibly Damaging"; Align-GVGD: "Class C25". The histidine amino acid residue is found in multiple mammalian species, which suggests that this missense change does not adversely affect protein function. In summary, the available evidence is currently insufficient to determine the role of this variant in disease. Therefore, it has been classified as a Variant of Uncertain Significance.

Revvity Omics, Revvity
Classification: Uncertain significance for Autosomal recessive nonsyndromic hearing loss 76. Last evaluated: 2019-08-20. Review status: criteria provided, single submitter. Criteria: ACMG Guidelines, 2015. Collection method: clinical testing. Allele origin: germline.

NM_001039876.3(SYNE4):c.458G>A (p.Arg153His)

Gene: SYNE4 (spectrin repeat containing nuclear envelope family member 4; minus strand). Cytogenetic location: 19q13.12.
Variant type: single nucleotide variant.
Coding change: c.458G>A on transcript NM_001039876.3 (MANE Select); coding-DNA position 458, G replaced by A.
Protein change: p.Arg153His; replaces arginine 153 with histidine.
Molecular consequence: missense variant. On other transcripts: intron variant (1).
Genome position (GRCh38, 1-based): chr19:36,006,910, C>T on the plus strand (G>A on the coding strand, the complement: SYNE4 is on the minus strand). VCF-style: chr19-36006910-C-T. GRCh37 (hg19) VCF-style: chr19-36497812-C-T.
Other names: c.280-239G>A (NM_001297735.3); short protein forms R153H.
Identifiers: ClinVar variation 2414004 (VCV002414004.8), dbSNP rs751251082, ClinGen allele CA9393923.